The following is an entry in ClinVar:

ClinVar aggregate classification (germline): Likely pathogenic. Review status: criteria provided, multiple submitters, no conflicts (2 of 4 stars). 2 submissions from 2 submitters: Likely pathogenic (2). Last evaluated 2024-04-25.

Conditions:
Amelocerebrohypohidrotic syndrome (KTZS). Also called: KOHLSCHUTTER SYNDROME; Kohlschutter's syndrome; EPILEPSY AND YELLOW TEETH; EPILEPSY, DEMENTIA, AND AMELOGENESIS IMPERFECTA. Identifiers: Orphanet 1946, MedGen C0406740, MONDO:0009185, OMIM 226750.

Submissions (2):

Labcorp Genetics (formerly Invitae), Labcorp
Classification: Likely pathogenic for Amelocerebrohypohidrotic syndrome. Last evaluated: 2024-04-25. Review status: criteria provided, single submitter. Criteria: Invitae Variant Classification Sherloc (09022015). Collection method: clinical testing. Allele origin: germline.
Comment: This sequence change affects an acceptor splice site in intron 1 of the ROGDI gene. It is expected to disrupt RNA splicing. Variants that disrupt the donor or acceptor splice site typically lead to a loss of protein function (PMID: 16199547), and loss-of-function variants in ROGDI are known to be pathogenic (PMID: 22424600, 23086778). This variant is not present in population databases (gnomAD no frequency). This variant has not been reported in the literature in individuals affected with ROGDI-related conditions. Algorithms developed to predict the effect of sequence changes on RNA splicing suggest that this variant may disrupt the consensus splice site. In summary, the currently available evidence indicates that the variant is pathogenic, but additional data are needed to prove that conclusively. Therefore, this variant has been classified as Likely Pathogenic.

Fulgent Genetics
Classification: Likely pathogenic for Amelocerebrohypohidrotic syndrome. Last evaluated: 2024-02-29. Review status: criteria provided, single submitter. Criteria: ACMG Guidelines, 2015. Collection method: clinical testing. Allele origin: germline.

Literature cited by the submitters: PubMed 16199547 (cited by Labcorp Genetics (formerly Invitae), Labcorp); PubMed 22424600 (cited by Labcorp Genetics (formerly Invitae), Labcorp); PubMed 23086778 (cited by Labcorp Genetics (formerly Invitae), Labcorp).

NM_024589.3(ROGDI):c.46-2A>G

Gene: ROGDI (rogdi atypical leucine zipper; minus strand). Cytogenetic location: 16p13.3.
Variant type: single nucleotide variant.
Coding change: c.46-2A>G on transcript NM_024589.3 (MANE Select); the canonical splice acceptor site of the intron before coding-DNA position 46, A replaced by G.
Molecular consequence: splice acceptor variant.
Genome position (GRCh38, 1-based): chr16:4,802,455, T>C on the plus strand (A>G on the coding strand, the complement: ROGDI is on the minus strand). VCF-style: chr16-4802455-T-C. GRCh37 (hg19) VCF-style: chr16-4852456-T-C.
Identifiers: ClinVar variation 3580752 (VCV003580752.3).